The following is an entry in ClinVar:

ClinVar aggregate classification (germline): Uncertain significance (1 of 4 stars; one submission).

Conditions:
Epidermolysis bullosa simplex 3, localized or generalized intermediate, with BP230 deficiency (EBS3). Also called: Epidermolysis bullosa simplex, autosomal recessive 2; Epidermolysis bullosa simplex due to BP230 deficiency. Identifiers: Orphanet 412181, MedGen C3809470, MONDO:0014180, OMIM 615425.
Hereditary sensory and autonomic neuropathy type 6. Also called: HSAN VI; Neuropathy, hereditary sensory and autonomic, type VI. Identifiers: Orphanet 314381, MedGen C3539003, MONDO:0013839, OMIM 614653.

Submission:

Labcorp Genetics (formerly Invitae), Labcorp
Classification: Uncertain significance for Epidermolysis bullosa simplex 3, localized or generalized intermediate, with BP230 deficiency; Hereditary sensory and autonomic neuropathy type 6. Last evaluated: 2025-09-23. Review status: criteria provided, single submitter. Criteria: Invitae Variant Classification Sherloc (09022015). Collection method: clinical testing. Allele origin: germline.
Comment: This sequence change replaces glutamic acid, which is acidic and polar, with valine, which is neutral and non-polar, at codon 1514 of the DST protein (p.Glu1514Val). This variant is not present in population databases (gnomAD no frequency). This variant has not been reported in the literature in individuals affected with DST-related conditions. An algorithm developed to predict the effect of missense changes on protein structure and function (PolyPhen-2) suggests that this variant is likely to be disruptive. In summary, the available evidence is currently insufficient to determine the role of this variant in disease. Therefore, it has been classified as a Variant of Uncertain Significance.

NM_001723.7(DST):c.4541A>T (p.Glu1514Val)

Gene: DST (dystonin; minus strand). Cytogenetic location: 6p12.1.
Variant type: single nucleotide variant.
Coding change: c.4541A>T on transcript NM_001723.7 (MANE Plus Clinical); coding-DNA position 4541, A replaced by T.
Protein change: p.Glu1514Val; replaces glutamic acid 1514 with valine.
Molecular consequence: missense variant. On other transcripts: intron variant (10).
Genome position (GRCh38, 1-based): chr6:56,619,493, T>A on the plus strand (A>T on the coding strand, the complement: DST is on the minus strand). VCF-style: chr6-56619493-T-A. GRCh37 (hg19) VCF-style: chr6-56484291-T-A.
Other names: c.4831-5009A>T (NM_001144769.5); c.4930-5009A>T (NM_001374722.1, NM_001374736.1); c.4957-5009A>T (NM_001374734.1); c.4417-5009A>T (NM_001144770.2); c.4297-5009A>T (NM_001374730.1, NM_001386100.1, NM_183380.4 and 1 more transcripts); c.3319-5009A>T (NM_015548.5); short protein forms E1514V.
Identifiers: ClinVar variation 4790898 (VCV004790898.1).
Genomic context (GRCh38, chr6:56,619,493, plus strand): 5'-AATTGTTCTTTTAGATGATCTGATTTTCTCTGGCAGATTTGTAGTCTTTCTAATTCTTTC[T>A]CATCTCGAAAAGAATGAATTTGTGAATTTAAATGCTGAATATTCTTCTCAGCTACAGCAT-3'
Protein context (NP_001714.1, residues 1504-1524): LNSQIHSFRD[Glu1514Val]KELERLQICQ